The following is an entry in ClinVar:

ClinVar aggregate classification (germline): Uncertain significance (1 of 4 stars; one submission).

Conditions:
Joubert syndrome 16 (JBTS16). Identifiers: Orphanet 2318, MedGen C3280906, MONDO:0013764, OMIM 614465.

gnomAD v4.1: 6 of 1,610,650 alleles (0.00037%); highest among the groups gnomAD compares: African/African-American, 0.0027%; no homozygotes.

Submission:

Labcorp Genetics (formerly Invitae), Labcorp
Classification: Uncertain significance for Joubert syndrome 16. Last evaluated: 2022-08-16. Review status: criteria provided, single submitter. Criteria: Invitae Variant Classification Sherloc (09022015). Collection method: clinical testing. Allele origin: germline.
Comment: In summary, the available evidence is currently insufficient to determine the role of this variant in disease. Therefore, it has been classified as a Variant of Uncertain Significance. Algorithms developed to predict the effect of missense changes on protein structure and function are either unavailable or do not agree on the potential impact of this missense change (SIFT: "Tolerated"; PolyPhen-2: "Probably Damaging"; Align-GVGD: "Class C0"). This variant has not been reported in the literature in individuals affected with TMEM138-related conditions. This variant is present in population databases (no rsID available, gnomAD 0.003%). This sequence change replaces arginine, which is basic and polar, with glycine, which is neutral and non-polar, at codon 103 of the TMEM138 protein (p.Arg103Gly).

NM_016464.5(TMEM138):c.307C>G (p.Arg103Gly)

Gene: TMEM138 (transmembrane protein 138; plus strand). Cytogenetic location: 11q12.2.
Variant type: single nucleotide variant.
Coding change: c.307C>G on transcript NM_016464.5 (MANE Select); coding-DNA position 307, C replaced by G.
Protein change: p.Arg103Gly; replaces arginine 103 with glycine.
Molecular consequence: missense variant. On other transcripts: non-coding transcript variant (1).
Genome position (GRCh38, 1-based): chr11:61,367,929, C>G. VCF-style: chr11-61367929-C-G. GRCh37 (hg19) VCF-style: chr11-61135401-C-G.
Other names: c.133C>G, p.Arg45Gly (NM_001330281.2); c.307C>G, p.Arg103Gly (NM_001410997.1, NM_001410998.1, NM_001410999.1); short protein forms R45G, R103G.
Identifiers: ClinVar variation 2056392 (VCV002056392.4), dbSNP rs202210746, ClinGen allele CA380680043.
Genomic context (GRCh38, chr11:61,367,929, plus strand): 5'-GACATTAGGGCTTCTTGTGGCCATTAACTTTTGTGTATCTCACATCTCCTTCAGAACTTA[C>G]GCTGGAAAAACTCCAACAGCTTCATATGGACAGATGGACTTCAAATGCTGTTTGTATTCC-3'
Protein context (NP_057548.1, residues 93-113): ISLHVWVMNL[Arg103Gly]WKNSNSFIWT